The following is an entry in ClinVar:

NM_000384.3(APOB):c.4928C>T (p.Ala1643Val)

Gene: APOB (apolipoprotein B; minus strand). Cytogenetic location: 2p24.1.
Variant type: single nucleotide variant.
Coding change: c.4928C>T on transcript NM_000384.3 (MANE Select); coding-DNA position 4928, C replaced by T.
Protein change: p.Ala1643Val; replaces alanine 1643 with valine.
Molecular consequence: missense variant.
Genome position (GRCh38, 1-based): chr2:21,011,940, G>A on the plus strand (C>T on the coding strand, the complement: APOB is on the minus strand). VCF-style: chr2-21011940-G-A. GRCh37 (hg19) VCF-style: chr2-21234812-G-A.
Other names: short protein forms A1643V.
Identifiers: ClinVar variation 927292 (VCV000927292.14), dbSNP rs1008238083, ClinGen allele CA43507600.

ClinVar aggregate classification (germline): Conflicting classifications of pathogenicity. Review status: criteria provided, conflicting classifications (1 of 4 stars). 4 submissions from 4 submitters: Uncertain significance (2); Benign (1); Likely benign (1). Last evaluated 2025-12-15.

Conditions:
Cardiovascular phenotype. Identifiers: MedGen CN230736.
Familial hypobetalipoproteinemia 1. Also called: Hypobetalipoproteinemia, normotriglyceridemic; Acanthocytosis with hypobetalipoproteinemia; APOB-Related Familial Hypobetalipoproteinemia. Identifiers: MedGen C4551990, MONDO:0014252, OMIM 615558.
Hypercholesterolemia, autosomal dominant, type B (FHCL2). Also called: Familial Hypercholesterolemia Type B; HYPERCHOLESTEROLEMIA, FAMILIAL, DUE TO LIGAND-DEFECTIVE APOLIPOPROTEIN B; Familial hypercholesterolemia 2; APOB-Related Familial Hypercholesterolemia, Autosomal Dominant; APOLIPOPROTEIN B-100, FAMILIAL DEFECTIVE; APOLIPOPROTEIN B-100, FAMILIAL LIGAND-DEFECTIVE. Identifiers: MedGen C1704417, MONDO:0007751, OMIM 144010.
Familial hypercholesterolemia. Also called: Familial hypercholesterolemias; Familial hypercholesterolaemia. Identifiers: MedGen C0020445, MONDO:0005439.

Allele frequency attached by ClinVar (database versions not stated): gnomAD 0.00002; gnomAD exomes 0.00002; TOPMed 0.00003.
gnomAD v4.1: 64 of 1,613,822 alleles (0.004%); highest among the groups gnomAD compares: Middle Eastern, 0.016%; no homozygotes.

Submissions (4):

Labcorp Genetics (formerly Invitae), Labcorp
Classification: Benign for Familial hypobetalipoproteinemia 1; Hypercholesterolemia, autosomal dominant, type B. Last evaluated: 2025-12-15. Review status: criteria provided, single submitter. Criteria: Invitae Variant Classification Sherloc (09022015). Collection method: clinical testing. Allele origin: germline.

Cambridge Genomics Laboratory, East Genomic Laboratory Hub, NHS Genomic Medicine Service
Classification: Uncertain significance for Familial hypercholesterolaemia. Last evaluated: 2024-06-12. Review status: criteria provided, single submitter. Criteria: ACGS Best Practice Guidelines for Variant Classification in Rare Disease 2020. Collection method: clinical testing. Allele origin: germline. Affected: yes.
Comment: PM2,BP4

Ambry Genetics
Classification: Likely benign for Cardiovascular phenotype. Last evaluated: 2023-11-30. Review status: criteria provided, single submitter. Criteria: Ambry Variant Classification Scheme 2023. Collection method: clinical testing. Allele origin: germline.

Fulgent Genetics
Classification: Uncertain significance for Hypercholesterolemia, autosomal dominant, type B; Familial hypobetalipoproteinemia 1. Last evaluated: 2021-08-18. Review status: criteria provided, single submitter. Criteria: ACMG Guidelines, 2015. Collection method: clinical testing. Allele origin: unknown.